The following is an entry in ClinVar:

NM_006343.3(MERTK):c.349_352del (p.Ile117fs)

Gene: MERTK (MER proto-oncogene, tyrosine kinase; plus strand). Cytogenetic location: 2q13.
Variant type: Deletion.
Coding change: c.349_352del on transcript NM_006343.3 (MANE Select); coding-DNA positions 349 to 352, 4 bases deleted (ATCA; older notation c.349_352delATCA).
Protein change: p.Ile117fs; shifts the reading frame from isoleucine 117.
Molecular consequence: frameshift variant.
Genome position (GRCh38, 1-based): chr2:111,929,407-111,929,410, ATCA deleted; deleting any 4 consecutive bases within chr2:111,929,404-111,929,410 gives the same sequence; the c. name uses the placement nearest the transcript's 3' end. VCF-style (leftmost placement, unchanged base first): chr2-111929403-CTCAA-C. GRCh37 (hg19) VCF-style: chr2-112686980-CTCAA-C.
Other names: short protein forms I117fs.
Identifiers: ClinVar variation 1929275 (VCV001929275.5), dbSNP rs2466747123, ClinGen allele CA2580063751.

ClinVar aggregate classification (germline): Pathogenic (1 of 4 stars; one submission).

Submission:

Labcorp Genetics (formerly Invitae), Labcorp
Classification: Pathogenic. Last evaluated: 2022-09-28. Review status: criteria provided, single submitter. Criteria: Invitae Variant Classification Sherloc (09022015). Collection method: clinical testing. Allele origin: germline.
Comment: This variant is not present in population databases (gnomAD no frequency). This sequence change creates a premature translational stop signal (p.Ile117Valfs*39) in the MERTK gene. It is expected to result in an absent or disrupted protein product. Loss-of-function variants in MERTK are known to be pathogenic (PMID: 24265693, 29659094). This premature translational stop signal has been observed in individual(s) with clinical features of MERTK-related conditions (PMID: 31630094). For these reasons, this variant has been classified as Pathogenic.

Literature cited by the submitters: PubMed 24265693; PubMed 29659094; PubMed 31630094.